The following is an entry in ClinVar:

ClinVar aggregate classification (germline): Pathogenic (1 of 4 stars; one submission).

Conditions:
Charcot-Marie-Tooth disease axonal type 2P. Also called: CHARCOT-MARIE-TOOTH NEUROPATHY, TYPE 2P; Charcot-Marie-Tooth Neuropathy Type 2G; CHARCOT-MARIE-TOOTH DISEASE, AXONAL, TYPE 2G; CMT 2G. Identifiers: Orphanet 300319, Orphanet 99941, MedGen C3280797, MONDO:0013753, OMIM 614436.

Submission:

Labcorp Genetics (formerly Invitae), Labcorp
Classification: Pathogenic for Charcot-Marie-Tooth disease axonal type 2P. Last evaluated: 2024-04-03. Review status: criteria provided, single submitter. Criteria: Invitae Variant Classification Sherloc (09022015). Collection method: clinical testing. Allele origin: germline.
Comment: This sequence change creates a premature translational stop signal (p.Ile339Asnfs*25) in the LRSAM1 gene. It is expected to result in an absent or disrupted protein product. Loss-of-function variants in LRSAM1 are known to be pathogenic (PMID: 20865121, 33414056). This variant is not present in population databases (gnomAD no frequency). This variant has not been reported in the literature in individuals affected with LRSAM1-related conditions. For these reasons, this variant has been classified as Pathogenic.

Literature cited by the submitters: PubMed 20865121; PubMed 33414056.

NM_001005373.4(LRSAM1):c.996_1015dup (p.Ile339fs)

Gene: LRSAM1 (leucine rich repeat and sterile alpha motif containing 1; plus strand). Cytogenetic location: 9q33.3.
Variant type: Duplication.
Coding change: c.996_1015dup on transcript NM_001005373.4 (MANE Select); coding-DNA positions 996 to 1015, 20 bases duplicated (ACAGAACATTTCCAGCCGGA).
Protein change: p.Ile339fs; shifts the reading frame from isoleucine 339.
Molecular consequence: frameshift variant. On other transcripts: non-coding transcript variant (2).
Genome position (GRCh38, 1-based): chr9:127,479,931-127,479,950, ACAGAACATTTCCAGCCGGA duplicated; duplicating any 20 consecutive bases within chr9:127,479,927-127,479,950 gives the same sequence; the c. name uses the placement nearest the transcript's 3' end. VCF-style (leftmost placement, unchanged base first): chr9-127479926-A-ACGGAACAGAACATTTCCAGC. GRCh37 (hg19) VCF-style: chr9-130242205-A-ACGGAACAGAACATTTCCAGC.
Other names: c.996_1015dup, p.Ile339fs (NM_001384143.1, NM_138361.5, NM_001005374.4 and 2 more transcripts); c.207_226dup, p.Ile76fs (NM_001384144.1); short protein forms I339fs, I76fs.
Identifiers: ClinVar variation 3648651 (VCV003648651.2).